The following is an entry in ClinVar:

ClinVar aggregate classification (germline): Uncertain significance. Review status: criteria provided, multiple submitters, no conflicts (2 of 4 stars). 3 submissions from 3 submitters: Uncertain significance (3). Last evaluated 2024-11-02.

Conditions:
Glycogen storage disease IXa1. Also called: LIVER GLYCOGENOSIS, X-LINKED, TYPE I; GLYCOGEN STORAGE DISEASE VIII; GSD VIII; Glycogen storage disease 8. Identifiers: Orphanet 264580, MedGen C3694531, MONDO:0010598, OMIM 306000.

Allele frequency attached by ClinVar (database versions not stated): ExAC 0.00001; gnomAD exomes 0.00001; TOPMed 0.00001.
gnomAD v4.1: 13 of 1,197,700 alleles (0.0011%); highest among the groups gnomAD compares: Middle Eastern, 0.046%; no homozygotes.

Submissions (3):

Labcorp Genetics (formerly Invitae), Labcorp
Classification: Uncertain significance for Glycogen storage disease IXa1. Last evaluated: 2024-11-02. Review status: criteria provided, single submitter. Criteria: Invitae Variant Classification Sherloc (09022015). Collection method: clinical testing. Allele origin: germline.
Comment: This sequence change replaces arginine, which is basic and polar, with glutamine, which is neutral and polar, at codon 500 of the PHKA2 protein (p.Arg500Gln). This variant is not present in population databases (gnomAD no frequency). This missense change has been observed in individual(s) with glycogen storage disease type IXa (PMID: 34093448). ClinVar contains an entry for this variant (Variation ID: 1685004). Invitae Evidence Modeling of protein sequence and biophysical properties (such as structural, functional, and spatial information, amino acid conservation, physicochemical variation, residue mobility, and thermodynamic stability) has been performed for this missense variant. However, the output from this modeling did not meet the statistical confidence thresholds required to predict the impact of this variant on PHKA2 protein function. In summary, the available evidence is currently insufficient to determine the role of this variant in disease. Therefore, it has been classified as a Variant of Uncertain Significance.

Laboratorio de Genetica e Diagnostico Molecular, Hospital Israelita Albert Einstein
Classification: Uncertain significance for Glycogen storage disease IXa1. Last evaluated: 2022-08-17. Review status: criteria provided, single submitter. Criteria: ACMG Guidelines, 2015. Collection method: clinical testing. Allele origin: germline. Affected: yes. Observed: 1 variant allele.
Comment: ACMG classification criteria: PS4 supporting, PM2 moderated, PP3 supporting

Mendelics
Classification: Uncertain significance. Last evaluated: 2022-05-04. Review status: criteria provided, single submitter. Criteria: Mendelics Assertion Criteria 2019. Collection method: clinical testing. Allele origin: germline.

Literature cited by the submitters: PubMed 34093448 (cited by Labcorp Genetics (formerly Invitae), Labcorp).

NM_000292.3(PHKA2):c.1499G>A (p.Arg500Gln)

Gene: PHKA2 (phosphorylase kinase regulatory subunit alpha 2; minus strand). Cytogenetic location: Xp22.13.
Variant type: single nucleotide variant.
Coding change: c.1499G>A on transcript NM_000292.3 (MANE Select); coding-DNA position 1499, G replaced by A.
Protein change: p.Arg500Gln; replaces arginine 500 with glutamine.
Molecular consequence: missense variant.
Genome position (GRCh38, 1-based): chrX:18,925,738, C>T on the plus strand (G>A on the coding strand, the complement: PHKA2 is on the minus strand). VCF-style: chrX-18925738-C-T. GRCh37 (hg19) VCF-style: chrX-18943856-C-T.
Other names: short protein forms R500Q.
Identifiers: ClinVar variation 1685004 (VCV001685004.4), dbSNP rs753412659, ClinGen allele CA10361867.